The following is an entry in ClinVar:

ClinVar aggregate classification (germline): Uncertain significance. Review status: criteria provided, multiple submitters, no conflicts (2 of 4 stars). 3 submissions from 3 submitters: Uncertain significance (3). Last evaluated 2025-12-17.

Conditions:
Glomerulopathy with fibronectin deposits 2 (GFND2). Identifiers: Orphanet 84090, MedGen C1866075, MONDO:0011165, OMIM 601894.
Spondylometaphyseal dysplasia - Sutcliffe type. Also called: Spondylometaphyseal dysplasia, 'corner fracture' type; Spondylometaphyseal Dysplasia, Corner Fracture Type; Sutcliffe type of spondylometaphyseal dysplasia; Sutcliffe SMD. Identifiers: Orphanet 93315, MedGen C0432221, MONDO:0008479, OMIM 184255.
Inborn genetic diseases. Identifiers: MedGen C0950123, MeSH D030342.

Allele frequency attached by ClinVar (database versions not stated): TOPMed 0.00005; gnomAD 0.00006 and 0.00008; 1000 Genomes Project 30x 0.00031; 1000 Genomes Project 0.00040.
gnomAD v4.1: 87 of 1,614,090 alleles (0.0054%); highest among the groups gnomAD compares: Non-Finnish European, 0.0068%; no homozygotes.

Submissions (3):

Labcorp Genetics (formerly Invitae), Labcorp
Classification: Uncertain significance. Last evaluated: 2025-12-17. Review status: criteria provided, single submitter. Criteria: Invitae Variant Classification Sherloc (09022015). Collection method: clinical testing. Allele origin: germline.
Comment: This sequence change replaces serine, which is neutral and polar, with glycine, which is neutral and non-polar, at codon 1828 of the FN1 protein (p.Ser1828Gly). This variant is present in population databases (rs199941833, gnomAD 0.01%), and has an allele count higher than expected for a pathogenic variant. This variant has not been reported in the literature in individuals affected with FN1-related conditions. ClinVar contains an entry for this variant (Variation ID: 1404305). An algorithm developed to predict the effect of missense changes on protein structure and function (PolyPhen-2) suggests that this variant is likely to be tolerated. In summary, the available evidence is currently insufficient to determine the role of this variant in disease. Therefore, it has been classified as a Variant of Uncertain Significance.

Ambry Genetics
Classification: Uncertain significance for Inborn genetic diseases. Last evaluated: 2022-12-15. Review status: criteria provided, single submitter. Criteria: Ambry Variant Classification Scheme 2023. Collection method: clinical testing. Allele origin: germline.

Fulgent Genetics
Classification: Uncertain significance for Spondylometaphyseal dysplasia - Sutcliffe type; Glomerulopathy with fibronectin deposits 2. Last evaluated: 2022-01-27. Review status: criteria provided, single submitter. Criteria: ACMG Guidelines, 2015. Collection method: clinical testing. Allele origin: unknown.

NM_212482.4(FN1):c.5482A>G (p.Ser1828Gly)

Gene: FN1 (fibronectin 1; minus strand). Cytogenetic location: 2q35.
Variant type: single nucleotide variant.
Coding change: c.5482A>G on transcript NM_212482.4 (MANE Select); coding-DNA position 5482, A replaced by G.
Protein change: p.Ser1828Gly; replaces serine 1828 with glycine.
Molecular consequence: missense variant.
Genome position (GRCh38, 1-based): chr2:215,379,270, T>C on the plus strand (A>G on the coding strand, the complement: FN1 is on the minus strand). VCF-style: chr2-215379270-T-C. GRCh37 (hg19) VCF-style: chr2-216243993-T-C.
Other names: c.5482A>G (NM_212482.1); c.5209A>G, p.Ser1737Gly (NM_001365518.2, NM_001365520.2, NM_001365524.2 and 2 more transcripts); c.5212A>G, p.Ser1738Gly (NM_001365519.2, NM_001365521.2, NM_001365522.2 and 2 more transcripts); c.4939A>G, p.Ser1647Gly (NM_001365523.2, NM_212474.3, NM_212476.3 and 2 more transcripts); c.5482A>G, p.Ser1828Gly (NM_001306129.2); short protein forms S1647G, S1737G, S1828G, S1738G.
Identifiers: ClinVar variation 1404305 (VCV001404305.8), dbSNP rs199941833, ClinGen allele CA2094133.